The following is an entry in ClinVar:

NM_001386135.1(AFF3):c.231T>C (p.Asp77=)

Gene: AFF3 (ALF transcription elongation factor 3; minus strand). Cytogenetic location: 2q11.2.
Variant type: single nucleotide variant.
Coding change: c.231T>C on transcript NM_001386135.1 (MANE Select); coding-DNA position 231, T replaced by C.
Protein change: p.Asp77=; no amino-acid change (aspartic acid 77 retained).
Molecular consequence: synonymous variant.
Genome position (GRCh38, 1-based): chr2:100,007,404, A>G on the plus strand (T>C on the coding strand, the complement: AFF3 is on the minus strand). VCF-style: chr2-100007404-A-G. GRCh37 (hg19) VCF-style: chr2-100623866-A-G.
Other names: c.306T>C, p.Asp102= (NM_001025108.2); c.231T>C, p.Asp77= (NM_002285.3).
Identifiers: ClinVar variation 3341903 (VCV003341903.16).

ClinVar aggregate classification (germline): Likely benign (1 of 4 stars; one submission).

gnomAD v4.1: 81 of 1,614,054 alleles (0.005%); highest among the groups gnomAD compares: South Asian, 0.089%; no homozygotes.

Submission:

CeGaT Center for Human Genetics Tuebingen
Classification: Likely benign. Last evaluated: 2024-08-01. Review status: criteria provided, single submitter. Criteria: CeGaT Center For Human Genetics Tuebingen Variant Classification Criteria Version 2. Collection method: clinical testing. Allele origin: germline. Affected: yes. Observed: 1 variant allele.
Comment: AFF3: BP4, BP7